The following is an entry in ClinVar:

ClinVar aggregate classification (germline): Conflicting classifications of pathogenicity. Review status: criteria provided, conflicting classifications (1 of 4 stars). 2 submissions from 2 submitters: Likely pathogenic (1); Uncertain significance (1). Last evaluated 2023-02-17.

Conditions:
CNGA3-related disorders.

Allele frequency attached by ClinVar (database versions not stated): gnomAD exomes 0.00001.
gnomAD v4.1: 15 of 1,613,704 alleles (0.00093%); highest among the groups gnomAD compares: African/African-American, 0.0013%; no homozygotes.

Submissions (2):

Blueprint Genetics
Classification: Likely pathogenic for CNGA3-related disorders. Last evaluated: 2023-02-17. Review status: criteria provided, single submitter. Criteria: ACMG Guidelines, 2015. Collection method: clinical testing. Allele origin: germline. Affected: yes. Observed: 4 variant alleles.

Labcorp Genetics (formerly Invitae), Labcorp
Classification: Uncertain significance. Last evaluated: 2022-02-08. Review status: criteria provided, single submitter. Criteria: Invitae Variant Classification Sherloc (09022015). Collection method: clinical testing. Allele origin: germline.
Comment: ClinVar contains an entry for this variant (Variation ID: 1026099). This variant has not been reported in the literature in individuals affected with CNGA3-related conditions. This variant is not present in population databases (gnomAD no frequency). This sequence change replaces valine, which is neutral and non-polar, with glutamic acid, which is acidic and polar, at codon 451 of the CNGA3 protein (p.Val451Glu). Algorithms developed to predict the effect of missense changes on protein structure and function are either unavailable or do not agree on the potential impact of this missense change (SIFT: "Deleterious"; PolyPhen-2: "Possibly Damaging"; Align-GVGD: "Class C0"). In summary, the available evidence is currently insufficient to determine the role of this variant in disease. Therefore, it has been classified as a Variant of Uncertain Significance.

NM_001298.3(CNGA3):c.1352T>A (p.Val451Glu)

Gene: CNGA3 (cyclic nucleotide gated channel subunit alpha 3; plus strand). Cytogenetic location: 2q11.2.
Variant type: single nucleotide variant.
Coding change: c.1352T>A on transcript NM_001298.3 (MANE Select); coding-DNA position 1352, T replaced by A.
Protein change: p.Val451Glu; replaces valine 451 with glutamic acid.
Molecular consequence: missense variant.
Genome position (GRCh38, 1-based): chr2:98,396,522, T>A. VCF-style: chr2-98396522-T-A. GRCh37 (hg19) VCF-style: chr2-99012985-T-A.
Other names: c.1298T>A, p.Val433Glu (NM_001079878.2); short protein forms V433E, V451E.
Identifiers: ClinVar variation 1026099 (VCV001026099.9), dbSNP rs1558820535, ClinGen allele CA347833374.